The following is an entry in ClinVar:

NM_000701.8(ATP1A1):c.3042C>T (p.Gly1014=)

Genes: ATP1A1 (ATPase Na+/K+ transporting subunit alpha 1; plus strand), ATP1A1-AS1 (ATP1A1 antisense RNA 1; minus strand). Cytogenetic location: 1p13.1.
Variant type: single nucleotide variant.
Coding change: c.3042C>T on transcript NM_000701.8 (MANE Select); coding-DNA position 3042, C replaced by T.
Protein change: p.Gly1014=; no amino-acid change (glycine 1014 retained).
Molecular consequence: synonymous variant.
Genome position (GRCh38, 1-based): chr1:116,403,974, C>T. VCF-style: chr1-116403974-C-T. GRCh37 (hg19) VCF-style: chr1-116946596-C-T.
Other names: c.3042C>T, p.Gly1014= (NM_001160233.2); c.2949C>T, p.Gly983= (NM_001160234.2).
Identifiers: ClinVar variation 1916655 (VCV001916655.5), dbSNP rs1653759705, ClinGen allele CA419905425.

ClinVar aggregate classification (germline): Uncertain significance (1 of 4 stars; one submission).

Allele frequency attached by ClinVar (database versions not stated): TOPMed below 0.00001.
gnomAD v4.1: 2 of 1,613,458 alleles (0.00012%); highest among the groups gnomAD compares: Non-Finnish European, 0.00017%; no homozygotes.

Submission:

Labcorp Genetics (formerly Invitae), Labcorp
Classification: Uncertain significance. Last evaluated: 2025-04-14. Review status: criteria provided, single submitter. Criteria: Invitae Variant Classification Sherloc (09022015). Collection method: clinical testing. Allele origin: germline.
Comment: This sequence change affects codon 1014 of the ATP1A1 mRNA. It is a 'silent' change, meaning that it does not change the encoded amino acid sequence of the ATP1A1 protein. It affects a nucleotide within the consensus splice site. This variant is not present in population databases (gnomAD no frequency). This variant has not been reported in the literature in individuals affected with ATP1A1-related conditions. ClinVar contains an entry for this variant (Variation ID: 1916655). Algorithms developed to predict the effect of sequence changes on RNA splicing suggest that this variant is not likely to affect RNA splicing. In summary, the available evidence is currently insufficient to determine the role of this variant in disease. Therefore, it has been classified as a Variant of Uncertain Significance.